The following is an entry in ClinVar:

ClinVar aggregate classification (germline): Pathogenic/Likely pathogenic. Review status: criteria provided, multiple submitters, no conflicts (2 of 4 stars). 7 submissions from 7 submitters: Pathogenic (4); Likely pathogenic (3). Last evaluated 2026-03-05.

Conditions:
ECHS1-related disorder. Also called: ECHS1-related condition.
Mitochondrial short-chain Enoyl-Coa hydratase 1 deficiency. Also called: Mitochondrial Short-Chain Enoyl-CoA Hydratase Deficiency; PxMD-ECHS1; ECHS1 deficiency. Identifiers: Orphanet 255241, Orphanet 653880, MedGen C4225391, MONDO:0014563, OMIM 616277.

Allele frequency attached by ClinVar (database versions not stated): ExAC 0.00001; gnomAD exomes 0.00001; TOPMed 0.00001; gnomAD 0.00002.
gnomAD v4.1: 16 of 1,613,618 alleles (0.00099%); highest among the groups gnomAD compares: Non-Finnish European, 0.0013%; no homozygotes.

Submissions (7):

PreventionGenetics, part of Exact Sciences
Classification: Pathogenic for ECHS1-related condition. Last evaluated: 2026-03-05. Review status: criteria provided, single submitter. Criteria: ACMG Guidelines, 2015. Collection method: clinical testing. Allele origin: germline.
Comment: The ECHS1 c.394G>A variant is predicted to result in the amino acid substitution p.Ala132Thr. This variant has been reported in compound heterozygous state in multiple individual with mitochondrial encephalopathy with cardiac involvement (Haack et al. 2015. PubMed ID: 26000322; Illsinger et al. 2020. PubMed ID: 32858208; Pena-Burgos et al. 2022. PubMed ID: 36515364). Functional studies on patient’s fibroblasts showed a reduced SCEH activity to 23% of normal values (Illsinger et al. 2020. PubMed ID: 32858208). This variant is reported in 0.0023% of alleles in individuals of European (Non-Finnish) descent in gnomAD. This variant is interpreted as pathogenic.

Labcorp Genetics (formerly Invitae), Labcorp
Classification: Pathogenic. Last evaluated: 2026-01-14. Review status: criteria provided, single submitter. Criteria: Invitae Variant Classification Sherloc (09022015). Collection method: clinical testing. Allele origin: germline.
Comment: This sequence change replaces alanine, which is neutral and non-polar, with threonine, which is neutral and polar, at codon 132 of the ECHS1 protein (p.Ala132Thr). This variant is present in population databases (rs770931871, gnomAD 0.002%). This missense change has been observed in individual(s) with mitochondrial short-chain enoyl-CoA hydratase 1 deficiency (PMID: 26000322, 32858208). In at least one individual the data is consistent with being in trans (on the opposite chromosome) from a pathogenic variant. ClinVar contains an entry for this variant (Variation ID: 488499). Invitae Evidence Modeling of protein sequence and biophysical properties (such as structural, functional, and spatial information, amino acid conservation, physicochemical variation, residue mobility, and thermodynamic stability) indicates that this missense variant is expected to disrupt ECHS1 protein function with a positive predictive value of 80%. For these reasons, this variant has been classified as Pathogenic.

Dasa
Classification: Likely pathogenic. Last evaluated: 2025-05-19. Review status: criteria provided, single submitter. Criteria: DASA Assertion Criteria. Collection method: clinical testing. Allele origin: germline.
Comment: NM_004092.4(ECHS1):c.394G>A (p.Ala132Thr) is a missense variant that results in the substitution of alanine with threonine. The affected residue or protein region has prior evidence supporting clinical relevance. This variant has been reported in individuals with ECHS1-related disorders (PMID: 26000322). Also, this variant is rare in population databases. Based on the currently available evidence, this variant is classified as likely pathogenic.

Women's Health and Genetics/Laboratory Corporation of America, LabCorp
Classification: Likely pathogenic for Mitochondrial short-chain Enoyl-Coa hydratase 1 deficiency. Last evaluated: 2024-12-02. Review status: criteria provided, single submitter. Criteria: LabCorp Variant Classification Summary - May 2015. Collection method: clinical testing. Allele origin: germline.
Comment: Variant summary: ECHS1 c.394G>A (p.Ala132Thr) results in a non-conservative amino acid change located in the Enoyl-CoA hydratase/isomerase domain (IPR001753) of the encoded protein sequence. Five of five in-silico tools predict a damaging effect of the variant on protein function. The variant allele was found at a frequency of 8e-06 in 251074 control chromosomes. c.394G>A has been reported in the literature in presumed compound heterozygous individuals affected with Mitochondrial Short-Chain Enoyl-CoA Hydratase 1 Deficiency (example, Haack_2015, Illsinger_2020, Pena-Burgos_2023).These data indicate that the variant is likely to be associated with disease. To our knowledge, no experimental evidence demonstrating an impact on protein function has been reported. The following publications have been ascertained in the context of this evaluation (PMID: 26000322, 32858208, 36515364). ClinVar contains an entry for this variant (Variation ID: 488499). Based on the evidence outlined above, the variant was classified as likely pathogenic.

Laboratorio de Genetica e Diagnostico Molecular, Hospital Israelita Albert Einstein
Classification: Likely pathogenic for Mitochondrial short-chain Enoyl-Coa hydratase 1 deficiency. Last evaluated: 2022-12-16. Review status: criteria provided, single submitter. Criteria: ACMG Guidelines, 2015. Collection method: clinical testing. Allele origin: germline. Affected: yes. Observed: 1 variant allele.
Comment: ACMG classification criteria: PM2 moderated, PM3 strong

Mendelics
Classification: Pathogenic for Mitochondrial short-chain Enoyl-Coa hydratase 1 deficiency. Last evaluated: 2019-05-28. Review status: criteria provided, single submitter. Criteria: Mendelics Assertion Criteria 2017. Collection method: clinical testing. Allele origin: unknown.

Institute of Human Genetics Munich, TUM University Hospital
Classification: Pathogenic for Mitochondrial short-chain Enoyl-Coa hydratase 1 deficiency. Last evaluated: 2017-11-16. Review status: criteria provided, single submitter. Criteria: Classification criteria August 2017. Collection method: clinical testing. Allele origin: maternal, paternal. Inheritance: Autosomal recessive inheritance. Affected: yes. Observed: 2 compound heterozygotes.

Literature cited by the submitters: PubMed 26000322 (cited by 3 submitters); PubMed 32858208 (cited by 3 submitters); PubMed 36515364 (cited by Dasa and Women's Health and Genetics/Laboratory Corporation of America, LabCorp).

NM_004092.4(ECHS1):c.394G>A (p.Ala132Thr)

Gene: ECHS1 (enoyl-CoA hydratase, short chain 1; minus strand). Cytogenetic location: 10q26.3.
Variant type: single nucleotide variant.
Coding change: c.394G>A on transcript NM_004092.4 (MANE Select); coding-DNA position 394, G replaced by A.
Protein change: p.Ala132Thr; replaces alanine 132 with threonine.
Molecular consequence: missense variant.
Genome position (GRCh38, 1-based): chr10:133,369,924, C>T on the plus strand (G>A on the coding strand, the complement: ECHS1 is on the minus strand). VCF-style: chr10-133369924-C-T. GRCh37 (hg19) VCF-style: chr10-135183428-C-T.
Other names: short protein forms A132T.
Identifiers: ClinVar variation 488499 (VCV000488499.16), dbSNP rs770931871, ClinGen allele CA5765801.